The following is an entry in ClinVar:

ClinVar aggregate classification (germline): Likely benign (1 of 4 stars; one submission).

Allele frequency attached by ClinVar (database versions not stated): gnomAD 0.00446; TOPMed 0.00460; 1000 Genomes Project 30x 0.00547; 1000 Genomes Project 0.00499.

Submission:

GeneDx
Classification: Likely benign. Last evaluated: 2018-06-16. Review status: criteria provided, single submitter. Criteria: GeneDx Variant Classification (06012015). Collection method: clinical testing. Allele origin: germline. Affected: yes.
Comment: This variant is considered likely benign or benign based on one or more of the following criteria: it is a conservative change, it occurs at a poorly conserved position in the protein, it is predicted to be benign by multiple in silico algorithms, and/or has population frequency not consistent with disease.

NM_152393.3(KLHL40):c.-279G>A

Gene: KLHL40 (kelch like family member 40; plus strand). Cytogenetic location: 3p22.1.
Variant type: single nucleotide variant.
Coding change: c.-279G>A on transcript NM_152393.3; 279 bases upstream of the start codon, G replaced by A.
Genome position (GRCh38, 1-based): chr3:42,685,340, G>A. VCF-style: chr3-42685340-G-A. GRCh37 (hg19) VCF-style: chr3-42726832-G-A.
Identifiers: ClinVar variation 678403 (VCV000678403.3), dbSNP rs147745841, ClinGen allele CA74191452.
Genomic context (GRCh38, chr3:42,685,340, plus strand): 5'-GGGCATCTCCTGACCAAAGAATCCAGAGTCAAGACCTCTCCGTGCTCCATTTAGAAATGA[G>A]GCAGCCAGGCCCTCATCTTTCAGAAGGGCCCAGACACCCCACCCCCGTCCCATAAGCCCC-3'